The following is an entry in ClinVar:

ClinVar aggregate classification (germline): Likely pathogenic (1 of 4 stars; one submission).

Conditions:
TH-deficient dopa-responsive dystonia. Also called: DYT-TH; Tyrosine Hydroxylase-Deficient Dopa-Responsive Dystonia; Segawa syndrome, autosomal recessive. Identifiers: Orphanet 101150, MedGen C2673535, MONDO:0011551, OMIM 605407.

Submission:

Labcorp Genetics (formerly Invitae), Labcorp
Classification: Likely pathogenic for TH-deficient dopa-responsive dystonia. Last evaluated: 2021-11-30. Review status: criteria provided, single submitter. Criteria: Invitae Variant Classification Sherloc (09022015). Collection method: clinical testing. Allele origin: germline.
Comment: In summary, the currently available evidence indicates that the variant is pathogenic, but additional data are needed to prove that conclusively. Therefore, this variant has been classified as Likely Pathogenic. Algorithms developed to predict the effect of sequence changes on RNA splicing suggest that this variant may disrupt the consensus splice site. ClinVar contains an entry for this variant (Variation ID: 1067809). This sequence change affects an acceptor splice site in intron 10 of the TH gene. It is expected to disrupt RNA splicing. Variants that disrupt the donor or acceptor splice site typically lead to a loss of protein function (PMID: 16199547), and loss-of-function variants in TH are known to be pathogenic (PMID: 22264700, 24753243). This variant is not present in population databases (gnomAD no frequency). This variant has not been reported in the literature in individuals affected with TH-related conditions.

Literature cited by the submitters: PubMed 16199547; PubMed 22264700; PubMed 24753243.

NM_000360.4(TH):c.1048-2A>G

Gene: TH (tyrosine hydroxylase; minus strand). Cytogenetic location: 11p15.5.
Variant type: single nucleotide variant.
Coding change: c.1048-2A>G on transcript NM_000360.4 (MANE Select); the canonical splice acceptor site of the intron before coding-DNA position 1048, A replaced by G.
Molecular consequence: splice acceptor variant.
Genome position (GRCh38, 1-based): chr11:2,166,060, T>C on the plus strand (A>G on the coding strand, the complement: TH is on the minus strand). VCF-style: chr11-2166060-T-C. GRCh37 (hg19) VCF-style: chr11-2187290-T-C.
Other names: c.1129-2A>G (NM_199293.3); c.1141-2A>G (NM_199292.3).
Identifiers: ClinVar variation 1067809 (VCV001067809.7), dbSNP rs2133691221, ClinGen allele CA379125911.